The following is an entry in ClinVar:

NM_022168.4(IFIH1):c.2604G>C (p.Glu868Asp)

Gene: IFIH1 (interferon induced with helicase C domain 1; minus strand). Cytogenetic location: 2q24.2.
Variant type: single nucleotide variant.
Coding change: c.2604G>C on transcript NM_022168.4 (MANE Select); coding-DNA position 2604, G replaced by C.
Protein change: p.Glu868Asp; replaces glutamic acid 868 with aspartic acid.
Molecular consequence: missense variant.
Genome position (GRCh38, 1-based): chr2:162,272,238, C>G on the plus strand (G>C on the coding strand, the complement: IFIH1 is on the minus strand). VCF-style: chr2-162272238-C-G. GRCh37 (hg19) VCF-style: chr2-163128748-C-G.
Other names: short protein forms E868D.
Identifiers: ClinVar variation 1441750 (VCV001441750.10), dbSNP rs760907862, ClinGen allele CA348993861.

ClinVar aggregate classification (germline): Uncertain significance. Review status: criteria provided, multiple submitters, no conflicts (2 of 4 stars). 2 submissions from 2 submitters: Uncertain significance (2). Last evaluated 2026-02-19.

Conditions:
Singleton-Merten syndrome 1 (SGMRT1). Also called: Widened medullary cavities of bone, aortic calcification, abnormal dentition, and muscular weakness; Syndrome of widened medullary cavities of the metacarpals and phalanges, aortic calcification and abnormal dentition. Identifiers: Orphanet 85191, MedGen C4225427, MONDO:0024535, OMIM 182250.
Aicardi-Goutieres syndrome 7 (AGS7). Identifiers: Orphanet 51, MedGen C3888244, MONDO:0014367, OMIM 615846.

Submissions (2):

Dasa
Classification: Uncertain significance. Last evaluated: 2026-02-19. Review status: criteria provided, single submitter. Criteria: DASA Assertion Criteria. Collection method: clinical testing. Allele origin: germline.
Comment: NM_022168.4(IFIH1):c.2604G>C (p.Glu868Asp) is a missense variant that results in the substitution of glutamic acid with aspartic acid. This variant is rare in population databases. Computational prediction algorithms are consistent with a benign effect. The currently available literature and clinical evidence are not sufficient to establish a definitive association between this variant and the reported condition. Therefore, this variant is classified as a variant of uncertain significance.

Labcorp Genetics (formerly Invitae), Labcorp
Classification: Uncertain significance for Aicardi-Goutieres syndrome 7; Singleton-Merten syndrome 1. Last evaluated: 2023-07-09. Review status: criteria provided, single submitter. Criteria: Invitae Variant Classification Sherloc (09022015). Collection method: clinical testing. Allele origin: germline.
Comment: In summary, the available evidence is currently insufficient to determine the role of this variant in disease. Therefore, it has been classified as a Variant of Uncertain Significance. Algorithms developed to predict the effect of missense changes on protein structure and function output the following: SIFT: "Not Available"; PolyPhen-2: "Benign"; Align-GVGD: "Not Available". The aspartic acid amino acid residue is found in multiple mammalian species, which suggests that this missense change does not adversely affect protein function. ClinVar contains an entry for this variant (Variation ID: 1441750). This variant has not been reported in the literature in individuals affected with IFIH1-related conditions. This variant is not present in population databases (gnomAD no frequency). This sequence change replaces glutamic acid, which is acidic and polar, with aspartic acid, which is acidic and polar, at codon 868 of the IFIH1 protein (p.Glu868Asp).